The following is an entry in ClinVar:

NM_013444.4(UBQLN2):c.1126A>G (p.Ile376Val)

Gene: UBQLN2 (ubiquilin 2; plus strand). Cytogenetic location: Xp11.21.
Variant type: single nucleotide variant.
Coding change: c.1126A>G on transcript NM_013444.4 (MANE Select); coding-DNA position 1126, A replaced by G.
Protein change: p.Ile376Val; replaces isoleucine 376 with valine.
Molecular consequence: missense variant.
Genome position (GRCh38, 1-based): chrX:56,564,999, A>G. VCF-style: chrX-56564999-A-G. GRCh37 (hg19) VCF-style: chrX-56591432-A-G.
Other names: short protein forms I376V.
Identifiers: ClinVar variation 3255106 (VCV003255106.1), dbSNP rs759633626.

ClinVar aggregate classification (germline): Uncertain significance (1 of 4 stars; one submission).

Conditions:
Amyotrophic lateral sclerosis type 15. Also called: AMYOTROPHIC LATERAL SCLEROSIS 15 WITH FRONTOTEMPORAL DEMENTIA. Identifiers: Orphanet 803, MedGen C3275459, MONDO:0010459, OMIM 300857.

Allele frequency attached by ClinVar (database versions not stated): ExAC 0.00002.
gnomAD v4.1: 7 of 1,212,038 alleles (0.00058%); highest among the groups gnomAD compares: South Asian, 0.0053%; no homozygotes.

Submission:

Victorian Clinical Genetics Services, Murdoch Childrens Research Institute
Classification: Uncertain significance for Amyotrophic lateral sclerosis type 15. Last evaluated: 2023-07-17. Review status: criteria provided, single submitter. Criteria: ACMG Guidelines, 2015. Collection method: clinical testing. Allele origin: germline. Inheritance: X-linked dominant inheritance. Affected: yes.
Comment: Based on the classification scheme VCGS_Germline_v1.3.4, this variant is classified as VUS-3B. Following criteria are met: 0105 - The mechanism of disease for this gene is not clearly established. However, gain of function has been suggested as a mechanism of disease as UBQLN2 knockout mice do not recapitulate disease (PMID: 34273246). Additionally, no null pathogenic variants have been reported for this gene (ClinVar). (I) 0110 - This gene is associated with X-linked dominant disease. (I) 0112 - The condition associated with this gene has incomplete penetrance and has been reported in females (OMIM). (I) 0200 - Variant is predicted to result in a missense amino acid change from isoleucine to valine. (I) 0253 - This variant is hemizygous. (I) 0302 - Variant is present in gnomAD (v2) <0.001 for a dominant condition (2 heterozygotes, 0 homozygotes, 1 hemizygote). (SP) 0502 - Missense variant with conflicting in silico predictions and uninformative conservation. (I) 0604 - Variant is not located in an established domain, motif, hotspot or informative constraint region. (I) 0705 - No comparable missense variants have previous evidence for pathogenicity. (I) 0809 - Previous evidence of pathogenicity for this variant is inconclusive. This variant has been described as a VUS, and observed in an individual with amyotrophic lateral sclerosis (PMID: 26601740). (I) 0905 - No published segregation evidence has been identified for this variant. (I) 1007 - No published functional evidence has been identified for this variant. (I) 1208 - Inheritance information for this variant is not currently available in this individual. (I) Legend: (SP) - Supporting pathogenic, (I) - Information, (SB) - Supporting benign

Literature cited by the submitters: PubMed 26601740; PubMed 34273246.